The following is an entry in ClinVar:

ClinVar aggregate classification (germline): Uncertain significance (1 of 4 stars; one submission).

Conditions:
Left ventricular noncompaction 8 (LVNC8). Identifiers: Orphanet 154, Orphanet 54260, MedGen C3809288, MONDO:0014152, OMIM 615373.

Allele frequency attached by ClinVar (database versions not stated): gnomAD exomes below 0.00001.
gnomAD v4.1: 1 of 1,497,142 alleles (0.000067%); highest among the groups gnomAD compares: Non-Finnish European, 0.00009%; no homozygotes.

Submission:

Labcorp Genetics (formerly Invitae), Labcorp
Classification: Uncertain significance for Left ventricular noncompaction 8. Last evaluated: 2021-05-13. Review status: criteria provided, single submitter. Criteria: Invitae Variant Classification Sherloc (09022015). Collection method: clinical testing. Allele origin: germline.
Comment: In summary, the available evidence is currently insufficient to determine the role of this variant in disease. Therefore, it has been classified as a Variant of Uncertain Significance. Nucleotide substitutions within the consensus splice site are a relatively common cause of aberrant splicing (PMID: 17576681, 9536098). Algorithms developed to predict the effect of sequence changes on RNA splicing suggest that this variant is not likely to affect RNA splicing, but this prediction has not been confirmed by published transcriptional studies. This variant has not been reported in the literature in individuals with PRDM16-related conditions. This variant is not present in population databases (ExAC no frequency). This sequence change falls in intron 2 of the PRDM16 gene. It does not directly change the encoded amino acid sequence of the PRDM16 protein. It affects a nucleotide within the consensus splice site of the intron.

Literature cited by the submitters: PubMed 17576681; PubMed 9536098.

NM_022114.4(PRDM16):c.387+3G>A

Gene: PRDM16 (PR/SET domain 16; plus strand). Cytogenetic location: 1p36.32.
Variant type: single nucleotide variant.
Coding change: c.387+3G>A on transcript NM_022114.4 (MANE Select); 3 bases into the intron after coding-DNA position 387, G replaced by A.
Molecular consequence: intron variant.
Genome position (GRCh38, 1-based): chr1:3,186,477, G>A. VCF-style: chr1-3186477-G-A. GRCh37 (hg19) VCF-style: chr1-3103041-G-A.
Other names: c.387+3G>A (NM_199454.3).
Identifiers: ClinVar variation 1427415 (VCV001427415.6), dbSNP rs2100798319, ClinGen allele CA2573132115.